The following is an entry in ClinVar:

NM_005228.5(EGFR):c.2447A>C (p.Asn816Thr)

Genes: EGFR (epidermal growth factor receptor; plus strand), EGFR-AS1 (EGFR antisense RNA 1; minus strand). Cytogenetic location: 7p11.2.
Variant type: single nucleotide variant.
Coding change: c.2447A>C on transcript NM_005228.5 (MANE Select); coding-DNA position 2447, A replaced by C.
Protein change: p.Asn816Thr; replaces asparagine 816 with threonine.
Molecular consequence: missense variant. On other transcripts: non-coding transcript variant (1).
Genome position (GRCh38, 1-based): chr7:55,181,456, A>C. VCF-style: chr7-55181456-A-C. GRCh37 (hg19) VCF-style: chr7-55249149-A-C.
Other names: c.2312A>C, p.Asn771Thr (NM_001346897.2, NM_001346899.2); c.2447A>C, p.Asn816Thr (NM_001346898.2); c.2288A>C, p.Asn763Thr (NM_001346900.2); c.1646A>C, p.Asn549Thr (NM_001346941.2); short protein forms N549T, N763T, N816T, N771T.
Identifiers: ClinVar variation 1518337 (VCV001518337.6), dbSNP rs2128958843, ClinGen allele CA367579022.
Genomic context (GRCh38, chr7:55,181,456, plus strand): 5'-GCTGCCTCCTGGACTATGTCCGGGAACACAAAGACAATATTGGCTCCCAGTACCTGCTCA[A>C]CTGGTGTGTGCAGATCGCAAAGGTAATCAGGGAAGGGAGATACGGGGAGGGGAGATAAGG-3'
Protein context (NP_005219.2, residues 806-826): KDNIGSQYLL[Asn816Thr]WCVQIAKGMN

ClinVar aggregate classification (germline): Uncertain significance (1 of 4 stars; one submission).

Conditions:
EGFR-related lung cancer (EGFR). Identifiers: MedGen CN130014.

Submission:

Labcorp Genetics (formerly Invitae), Labcorp
Classification: Uncertain significance for EGFR-related lung cancer. Last evaluated: 2021-09-10. Review status: criteria provided, single submitter. Criteria: Invitae Variant Classification Sherloc (09022015). Collection method: clinical testing. Allele origin: germline.
Comment: In summary, the available evidence is currently insufficient to determine the role of this variant in disease. Therefore, it has been classified as a Variant of Uncertain Significance. Algorithms developed to predict the effect of missense changes on protein structure and function are either unavailable or do not agree on the potential impact of this missense change (SIFT: "Tolerated"; PolyPhen-2: "Probably Damaging"; Align-GVGD: "Class C0"). This variant has not been reported in the literature in individuals affected with EGFR-related conditions. This variant is not present in population databases (ExAC no frequency). This sequence change replaces asparagine with threonine at codon 816 of the EGFR protein (p.Asn816Thr). The asparagine residue is highly conserved and there is a small physicochemical difference between asparagine and threonine.